The following is an entry in ClinVar:

ClinVar aggregate classification (germline): Uncertain significance. Review status: criteria provided, multiple submitters, no conflicts (2 of 4 stars). 2 submissions from 2 submitters: Uncertain significance (2). Last evaluated 2025-10-29.

Conditions:
Primary ciliary dyskinesia. Also called: Ciliary dyskinesia. Identifiers: Orphanet 244, MedGen C0008780, MONDO:0016575, HP:0012265.

Allele frequency attached by ClinVar (database versions not stated): gnomAD 0.00013 and 0.00014; 1000 Genomes Project 30x 0.00016; ESP Exome Variant Server 0.00016; 1000 Genomes Project 0.00020; gnomAD exomes 0.00007; ExAC 0.00008; TOPMed 0.00012.
gnomAD v4.1: 53 of 1,614,054 alleles (0.0033%); highest among the groups gnomAD compares: East Asian, 0.022%; no homozygotes.

Submissions (2):

Labcorp Genetics (formerly Invitae), Labcorp
Classification: Uncertain significance for Primary ciliary dyskinesia. Last evaluated: 2025-10-29. Review status: criteria provided, single submitter. Criteria: Invitae Variant Classification Sherloc (09022015). Collection method: clinical testing. Allele origin: germline.
Comment: This sequence change replaces threonine, which is neutral and polar, with methionine, which is neutral and non-polar, at codon 720 of the CCDC40 protein (p.Thr720Met). This variant is present in population databases (rs201407989, gnomAD 0.05%). This variant has not been reported in the literature in individuals affected with CCDC40-related conditions. ClinVar contains an entry for this variant (Variation ID: 1061154). Invitae Evidence Modeling of protein sequence and biophysical properties (such as structural, functional, and spatial information, amino acid conservation, physicochemical variation, residue mobility, and thermodynamic stability) indicates that this missense variant is not expected to disrupt CCDC40 protein function with a negative predictive value of 80%. In summary, the available evidence is currently insufficient to determine the role of this variant in disease. Therefore, it has been classified as a Variant of Uncertain Significance.

Ambry Genetics
Classification: Uncertain significance for Primary ciliary dyskinesia. Last evaluated: 2023-10-14. Review status: criteria provided, single submitter. Criteria: Ambry Variant Classification Scheme 2023. Collection method: clinical testing. Allele origin: germline.

NM_017950.4(CCDC40):c.2159C>T (p.Thr720Met)

Gene: CCDC40 (coiled-coil domain 40 molecular ruler complex subunit; plus strand). Cytogenetic location: 17q25.3.
Variant type: single nucleotide variant.
Coding change: c.2159C>T on transcript NM_017950.4 (MANE Select); coding-DNA position 2159, C replaced by T.
Protein change: p.Thr720Met; replaces threonine 720 with methionine.
Molecular consequence: missense variant.
Genome position (GRCh38, 1-based): chr17:80,084,912, C>T. VCF-style: chr17-80084912-C-T. GRCh37 (hg19) VCF-style: chr17-78058711-C-T.
Other names: c.2159C>T, p.Thr720Met (NM_001243342.2); c.2159C>T (NM_017950.3); short protein forms T720M.
Identifiers: ClinVar variation 1061154 (VCV001061154.9), dbSNP rs201407989, ClinGen allele CA8814118.